The following is an entry in ClinVar:

ClinVar aggregate classification (germline): Uncertain significance (1 of 4 stars; one submission).

Conditions:
Early-infantile DEE. Also called: Ohtahara syndrome; Early infantile epileptic encephalopathy; Early infantile epileptic encephalopathy with suppression bursts. Identifiers: Orphanet 1934, MedGen C0393706, MONDO:0800491.

Submission:

Labcorp Genetics (formerly Invitae), Labcorp
Classification: Uncertain significance for Early-infantile DEE. Last evaluated: 2023-12-30. Review status: criteria provided, single submitter. Criteria: Invitae Variant Classification Sherloc (09022015). Collection method: clinical testing. Allele origin: germline.
Comment: This sequence change replaces tyrosine, which is neutral and polar, with cysteine, which is neutral and slightly polar, at codon 825 of the SCN1A protein (p.Tyr825Cys). This variant is not present in population databases (gnomAD no frequency). This variant has not been reported in the literature in individuals affected with SCN1A-related conditions. Advanced modeling of protein sequence and biophysical properties (such as structural, functional, and spatial information, amino acid conservation, physicochemical variation, residue mobility, and thermodynamic stability) performed at Invitae indicates that this missense variant is expected to disrupt SCN1A protein function with a positive predictive value of 95%. In summary, the available evidence is currently insufficient to determine the role of this variant in disease. Therefore, it has been classified as a Variant of Uncertain Significance.

NM_001165963.4(SCN1A):c.2474A>G (p.Tyr825Cys)

Gene: SCN1A (sodium voltage-gated channel alpha subunit 1; minus strand). Cytogenetic location: 2q24.3.
Variant type: single nucleotide variant.
Coding change: c.2474A>G on transcript NM_001165963.4 (MANE Select); coding-DNA position 2474, A replaced by G.
Protein change: p.Tyr825Cys; replaces tyrosine 825 with cysteine.
Molecular consequence: missense variant. On other transcripts: non-coding transcript variant (1).
Genome position (GRCh38, 1-based): chr2:166,039,538, T>C on the plus strand (A>G on the coding strand, the complement: SCN1A is on the minus strand). VCF-style: chr2-166039538-T-C. GRCh37 (hg19) VCF-style: chr2-166896048-T-C.
Other names: c.2390A>G, p.Tyr797Cys (NM_001165964.3, NM_001353957.2, NM_001353958.2); c.2474A>G, p.Tyr825Cys (NM_001202435.3, NM_001353948.2); c.2441A>G, p.Tyr814Cys (NM_001353949.2, NM_001353950.2, NM_001353951.2 and 2 more transcripts); c.2438A>G, p.Tyr813Cys (NM_001353954.2, NM_001353955.2); c.2387A>G, p.Tyr796Cys (NM_001353960.2); c.32A>G, p.Tyr11Cys (NM_001353961.2); short protein forms Y11C, Y796C, Y825C, Y797C, Y813C, Y814C.
Identifiers: ClinVar variation 2759626 (VCV002759626.3), dbSNP rs780963881, ClinGen allele CA349062665.
Genomic context (GRCh38, chr2:166,039,538, plus strand): 5'-ACCAGGCTAAGCGTCACAATAAAACCGTCAAAGATATTCCAGCCTTCTTGGAAATAATAG[T>C]AAGGATCCATGGCAATAATTTTCAGAAACATTTCTGCTGTAAAGATCCCAGTGAAAACCT-3'
Protein context (NP_001159435.1, residues 815-835): MFLKIIAMDP[Tyr825Cys]YYFQEGWNIF